The following is an entry in ClinVar:

ClinVar aggregate classification (germline): Uncertain significance (1 of 4 stars; one submission).

Conditions:
Cardiovascular phenotype. Identifiers: MedGen CN230736.

gnomAD v4.1: 4 of 1,612,832 alleles (0.00025%); highest among the groups gnomAD compares: Non-Finnish European, 0.00034%; no homozygotes.

Submission:

Ambry Genetics
Classification: Uncertain significance for Cardiovascular phenotype. Last evaluated: 2026-06-27. Review status: criteria provided, single submitter. Criteria: Ambry Variant Classification Scheme 2023. Collection method: clinical testing. Allele origin: germline.
Comment: The p.A582V variant (also known as c.1745C>T), located in coding exon 13 of the CACNA1C gene, results from a C to T substitution at nucleotide position 1745. The alanine at codon 582 is replaced by valine, an amino acid with similar properties. This amino acid position is conserved. In addition, this alteration is predicted to be deleterious by in silico analysis. Based on the available evidence, the clinical significance of this variant remains unclear.

NM_000719.7(CACNA1C):c.1745C>T (p.Ala582Val)

Gene: CACNA1C (calcium voltage-gated channel subunit alpha1 C; plus strand). Cytogenetic location: 12p13.33.
Variant type: single nucleotide variant.
Coding change: c.1745C>T on transcript NM_000719.7 (MANE Select); coding-DNA position 1745, C replaced by T.
Protein change: p.Ala582Val; replaces alanine 582 with valine.
Molecular consequence: missense variant.
Genome position (GRCh38, 1-based): chr12:2,567,644, C>T. VCF-style: chr12-2567644-C-T. GRCh37 (hg19) VCF-style: chr12-2676810-C-T.
Other names: c.1745C>T, p.Ala582Val (NM_001129841.2, NM_001129842.2, NM_001129843.2 and 18 more transcripts); c.1736C>T, p.Ala579Val (NM_001129844.2); short protein forms A579V, A582V.
Identifiers: ClinVar variation 5033576 (VCV005033576.1).
Genomic context (GRCh38, chr12:2,567,644, plus strand): 5'-CCCTGCTGGCCCTGTTCACGGCAGAGATGCTCCTGAAGATGTACAGCCTGGGCCTGCAGG[C>T]CTACTTCGTGTCCCTCTTCAACCGCTTTGACTGCTTCGTCGTGTGTGGCGGCATCCTGGA-3'
Protein context (NP_000710.5, residues 572-592): LLKMYSLGLQ[Ala582Val]YFVSLFNRFD